The following is an entry in ClinVar:

NM_001035.3(RYR2):c.14701G>A (p.Val4901Met)

Gene: RYR2 (ryanodine receptor 2; plus strand). Cytogenetic location: 1q43.
Variant type: single nucleotide variant.
Coding change: c.14701G>A on transcript NM_001035.3 (MANE Select); coding-DNA position 14701, G replaced by A.
Protein change: p.Val4901Met; replaces valine 4901 with methionine.
Molecular consequence: missense variant.
Genome position (GRCh38, 1-based): chr1:237,830,575, G>A. VCF-style: chr1-237830575-G-A. GRCh37 (hg19) VCF-style: chr1-237993875-G-A.
Other names: c.14701G>A (NM_001035.2); short protein forms V4901M.
Identifiers: ClinVar variation 1469913 (VCV001469913.10), dbSNP rs2102947130, ClinGen allele CA345409729.
Genomic context (GRCh38, chr1:237,830,575, plus strand): 5'-CCCTTTGTTTTCTAGACCAAATGCTTCATCTGTGGGATAGGCAATGATTACTTCGACACA[G>A]TGCCACATGGCTTTGAAACCCACACTTTACAGGAGCACAACTTGGCTAATTACTTGTGAG-3'
Protein context (NP_001026.2, residues 4891-4911): CGIGNDYFDT[Val4901Met]PHGFETHTLQ

ClinVar aggregate classification (germline): Uncertain significance. Review status: criteria provided, multiple submitters, no conflicts (2 of 4 stars). 3 submissions from 3 submitters: Uncertain significance (3). Last evaluated 2024-04-01.

Conditions:
Cardiomyopathy (CMYO). Also called: Cardiomyopathies. Identifiers: Orphanet 167848, MedGen C0878544, MONDO:0004994, HP:0001638. Inheritance: Various modes of inheritance.
Catecholaminergic polymorphic ventricular tachycardia 1. Also called: RYR2-Related Catecholaminergic Polymorphic Ventricular Tachycardia; VENTRICULAR TACHYCARDIA, STRESS-INDUCED POLYMORPHIC 1; VENTRICULAR TACHYCARDIA, CATECHOLAMINERGIC POLYMORPHIC, 1, WITH OR WITHOUT ATRIAL DYSFUNCTION AND/OR DILATED CARDIOMYOPATHY. Identifiers: Orphanet 3286, MedGen C1631597, MONDO:0011484, OMIM 604772.

Submissions (3):

GeneDx
Classification: Uncertain significance. Last evaluated: 2024-04-01. Review status: criteria provided, single submitter. Criteria: GeneDx Variant Classification Process June 2021. Collection method: clinical testing. Allele origin: germline. Affected: yes.
Comment: Not observed at significant frequency in large population cohorts (gnomAD); In silico analysis supports that this missense variant does not alter protein structure/function; Has not been previously published as pathogenic or benign to our knowledge; This variant is associated with the following publications: (PMID: 19926015)

Labcorp Genetics (formerly Invitae), Labcorp
Classification: Uncertain significance for Catecholaminergic polymorphic ventricular tachycardia 1. Last evaluated: 2024-01-03. Review status: criteria provided, single submitter. Criteria: Invitae Variant Classification Sherloc (09022015). Collection method: clinical testing. Allele origin: germline.
Comment: This sequence change replaces valine, which is neutral and non-polar, with methionine, which is neutral and non-polar, at codon 4901 of the RYR2 protein (p.Val4901Met). This variant is not present in population databases (gnomAD no frequency). This variant has not been reported in the literature in individuals affected with RYR2-related conditions. ClinVar contains an entry for this variant (Variation ID: 1469913). Advanced modeling of protein sequence and biophysical properties (such as structural, functional, and spatial information, amino acid conservation, physicochemical variation, residue mobility, and thermodynamic stability) has been performed at Invitae for this missense variant, however the output from this modeling did not meet the statistical confidence thresholds required to predict the impact of this variant on RYR2 protein function. In summary, the available evidence is currently insufficient to determine the role of this variant in disease. Therefore, it has been classified as a Variant of Uncertain Significance.

Color Diagnostics, LLC DBA Color Health
Classification: Uncertain significance for Cardiomyopathy. Last evaluated: 2021-10-04. Review status: criteria provided, single submitter. Criteria: ACMG Guidelines, 2015. Collection method: clinical testing. Allele origin: germline.
Comment: This missense variant replaces valine with methionine at codon 4901 of the RYR2 protein. Computational prediction is inconclusive regarding the impact of this variant on protein structure and function (internally defined REVEL score threshold 0.5 < inconclusive < 0.7, PMID: 27666373). To our knowledge, functional studies have not been reported for this variant. This variant has not been reported in individuals affected with cardiovascular disorders in the literature. This variant has not been identified in the general population by the Genome Aggregation Database (gnomAD). The available evidence is insufficient to determine the role of this variant in disease conclusively. Therefore, this variant is classified as a Variant of Uncertain Significance.